The following is an entry in ClinVar:

ClinVar aggregate classification (germline): Uncertain significance (1 of 4 stars; one submission).

Submission:

Labcorp Genetics (formerly Invitae), Labcorp
Classification: Uncertain significance. Last evaluated: 2025-05-05. Review status: criteria provided, single submitter. Criteria: Invitae Variant Classification Sherloc (09022015). Collection method: clinical testing. Allele origin: germline.
Comment: This sequence change replaces leucine, which is neutral and non-polar, with glutamine, which is neutral and polar, at codon 232 of the OAS1 protein (p.Leu232Gln). This variant is not present in population databases (gnomAD no frequency). This variant has not been reported in the literature in individuals affected with OAS1-related conditions. ClinVar contains an entry for this variant (Variation ID: 3651538). An algorithm developed to predict the effect of missense changes on protein structure and function (PolyPhen-2) suggests that this variant is likely to be disruptive. In summary, the available evidence is currently insufficient to determine the role of this variant in disease. Therefore, it has been classified as a Variant of Uncertain Significance.

NM_016816.4(OAS1):c.695T>A (p.Leu232Gln)

Gene: OAS1 (2'-5'-oligoadenylate synthetase 1; plus strand). Cytogenetic location: 12q24.13.
Variant type: single nucleotide variant.
Coding change: c.695T>A on transcript NM_016816.4 (MANE Select); coding-DNA position 695, T replaced by A.
Protein change: p.Leu232Gln; replaces leucine 232 with glutamine.
Molecular consequence: missense variant. On other transcripts: non-coding transcript variant (9).
Genome position (GRCh38, 1-based): chr12:112,916,549, T>A. VCF-style: chr12-112916549-T-A. GRCh37 (hg19) VCF-style: chr12-113354354-T-A.
Other names: c.221T>A, p.Leu74Gln (NM_001406029.1, NM_001406030.1, NM_001406026.1 and 1 more transcripts); c.695T>A, p.Leu232Gln (NM_002534.4, NM_001032409.3, NM_001320151.2 and 1 more transcripts); c.671T>A, p.Leu224Gln (NM_001406020.1, NM_001406021.1, NM_001406023.1 and 2 more transcripts); short protein forms L74Q, L224Q, L232Q.
Identifiers: ClinVar variation 3651538 (VCV003651538.2).